The following is an entry in ClinVar:

NM_199420.4(POLQ):c.4900G>T (p.Ala1634Ser)

Gene: POLQ (DNA polymerase theta; minus strand). Cytogenetic location: 3q13.33.
Variant type: single nucleotide variant.
Coding change: c.4900G>T on transcript NM_199420.4 (MANE Select); coding-DNA position 4900, G replaced by T.
Protein change: p.Ala1634Ser; replaces alanine 1634 with serine.
Molecular consequence: missense variant.
Genome position (GRCh38, 1-based): chr3:121,488,031, C>A on the plus strand (G>T on the coding strand, the complement: POLQ is on the minus strand). VCF-style: chr3-121488031-C-A. GRCh37 (hg19) VCF-style: chr3-121206878-C-A.
Other names: short protein forms A1634S.
Identifiers: ClinVar variation 1743988 (VCV001743988.2), dbSNP rs769119685, ClinGen allele CA354093323.

ClinVar aggregate classification (germline): Uncertain significance (1 of 4 stars; one submission).

gnomAD v4.1: 3 of 1,613,568 alleles (0.00019%); highest among the groups gnomAD compares: Non-Finnish European, 0.00025%; no homozygotes.

Submission:

Ambry Genetics
Classification: Uncertain significance. Last evaluated: 2024-01-09. Review status: criteria provided, single submitter. Criteria: Ambry Variant Classification Scheme 2023. Collection method: clinical testing. Allele origin: germline.
Comment: The p.A1634S variant (also known as c.4900G>T), located in coding exon 16 of the POLQ gene, results from a G to T substitution at nucleotide position 4900. The alanine at codon 1634 is replaced by serine, an amino acid with similar properties. This amino acid position is conserved. In addition, this alteration is predicted to be tolerated by in silico analysis. Since supporting evidence is limited at this time, the clinical significance of this alteration remains unclear.